The following is an entry in ClinVar:

ClinVar aggregate classification (germline): Uncertain significance (1 of 4 stars; one submission).

gnomAD v4.1: 2 of 1,614,186 alleles (0.00012%); highest among the groups gnomAD compares: South Asian, 0.0022%; no homozygotes.

Submission:

Labcorp Genetics (formerly Invitae), Labcorp
Classification: Uncertain significance. Last evaluated: 2026-01-30. Review status: criteria provided, single submitter. Criteria: Invitae Variant Classification Sherloc (09022015). Collection method: clinical testing. Allele origin: germline.
Comment: This sequence change replaces lysine, which is basic and polar, with arginine, which is basic and polar, at codon 526 of the MBD4 protein (p.Lys526Arg). This variant is present in population databases (no rsID available, gnomAD 0.003%). This variant has not been reported in the literature in individuals affected with MBD4-related conditions. An algorithm developed to predict the effect of missense changes on protein structure and function (PolyPhen-2) suggests that this variant is likely to be disruptive. In summary, the available evidence is currently insufficient to determine the role of this variant in disease. Therefore, it has been classified as a Variant of Uncertain Significance.

NM_001276270.2(MBD4):c.1559A>G (p.Lys520Arg)

Gene: MBD4 (methyl-CpG binding domain 4, DNA glycosylase; minus strand). Cytogenetic location: 3q21.3.
Variant type: single nucleotide variant.
Coding change: c.1559A>G on transcript NM_001276270.2 (MANE Select); coding-DNA position 1559, A replaced by G.
Protein change: p.Lys520Arg; replaces lysine 520 with arginine.
Molecular consequence: missense variant.
Genome position (GRCh38, 1-based): chr3:129,432,591, T>C on the plus strand (A>G on the coding strand, the complement: MBD4 is on the minus strand). VCF-style: chr3-129432591-T-C. GRCh37 (hg19) VCF-style: chr3-129151434-T-C.
Other names: c.1577A>G, p.Lys526Arg (NM_001276271.2, NM_001276272.2, NM_003925.3); c.623A>G, p.Lys208Arg (NM_001276273.2); short protein forms K208R, K526R, K520R.
Identifiers: ClinVar variation 4736489 (VCV004736489.1).